The following is an entry in ClinVar:

NM_031935.3(HMCN1):c.2944A>G (p.Thr982Ala)

Gene: HMCN1 (hemicentin 1; plus strand). Cytogenetic location: 1q31.1.
Variant type: single nucleotide variant.
Coding change: c.2944A>G on transcript NM_031935.3 (MANE Select); coding-DNA position 2944, A replaced by G.
Protein change: p.Thr982Ala; replaces threonine 982 with alanine.
Molecular consequence: missense variant.
Genome position (GRCh38, 1-based): chr1:185,987,440, A>G. VCF-style: chr1-185987440-A-G. GRCh37 (hg19) VCF-style: chr1-185956572-A-G.
Other names: c.2944A>G (NM_031935.2); short protein forms T982A.
Identifiers: ClinVar variation 3680544 (VCV003680544.3).
Genomic context (GRCh38, chr1:185,987,440, plus strand): 5'-TTTTAAATGGAAGAACAGGTGCTCAGATTCCAAATCCTACTTACCTTTTCAGTTCTGCCA[A>G]CCATTCAGCATGGGCAGCAGATACTCAGTACAATTGAAGGCATTCCAGTAACTTTACCAT-3'
Protein context (NP_114141.2, residues 972-992): TTSVVVHVLP[Thr982Ala]IQHGQQILST

ClinVar aggregate classification (germline): Uncertain significance. Review status: criteria provided, multiple submitters, no conflicts (2 of 4 stars). 2 submissions from 2 submitters: Uncertain significance (2). Last evaluated 2025-12-16.

gnomAD v4.1: 6 of 1,609,708 alleles (0.00037%); highest among the groups gnomAD compares: South Asian, 0.0011%; no homozygotes.

Submissions (2):

Ambry Genetics
Classification: Uncertain significance. Last evaluated: 2025-12-16. Review status: criteria provided, single submitter. Criteria: Ambry Variant Classification Scheme 2023. Collection method: clinical testing. Allele origin: germline.

Labcorp Genetics (formerly Invitae), Labcorp
Classification: Uncertain significance. Last evaluated: 2024-04-22. Review status: criteria provided, single submitter. Criteria: Invitae Variant Classification Sherloc (09022015). Collection method: clinical testing. Allele origin: germline.
Comment: This sequence change replaces threonine, which is neutral and polar, with alanine, which is neutral and non-polar, at codon 982 of the HMCN1 protein (p.Thr982Ala). This variant is present in population databases (no rsID available, gnomAD 0.0009%). This variant has not been reported in the literature in individuals affected with HMCN1-related conditions. An algorithm developed to predict the effect of missense changes on protein structure and function (PolyPhen-2) suggests that this variant is likely to be disruptive. In summary, the available evidence is currently insufficient to determine the role of this variant in disease. Therefore, it has been classified as a Variant of Uncertain Significance.